The following is an entry in ClinVar:

NM_017534.6(MYH2):c.1933_1940dup (p.Ser648fs)

Genes: MYHAS (myosin heavy chain gene cluster antisense RNA; plus strand), MYH2 (myosin heavy chain 2; minus strand). Cytogenetic location: 17p13.1.
Variant type: Duplication.
Coding change: c.1933_1940dup on transcript NM_017534.6 (MANE Select); coding-DNA positions 1933 to 1940, 8 bases duplicated (AAGAAGGG; older notation c.1933_1940dupAAGAAGGG).
Protein change: p.Ser648fs; shifts the reading frame from serine 648.
Molecular consequence: frameshift variant.
Genome position (GRCh38, 1-based): chr17:10,536,564-10,536,571, CCCTTCTT duplicated on the plus strand (AAGAAGGG on the coding strand, the reverse complement: MYH2 is on the minus strand); duplicating any 8 consecutive bases within chr17:10,536,564-10,536,572 gives the same sequence; the c. name uses the placement nearest the transcript's 3' end. VCF-style (leftmost placement, unchanged base first): chr17-10536563-G-GCCCTTCTT. GRCh37 (hg19) VCF-style: chr17-10439880-G-GCCCTTCTT.
Other names: c.1933_1940dup, p.Ser648fs (NM_001100112.2); short protein forms S648fs.
Identifiers: ClinVar variation 2698797 (VCV002698797.3), dbSNP rs2508449104, ClinGen allele CA2697559421.

ClinVar aggregate classification (germline): Pathogenic (1 of 4 stars; one submission).

Conditions:
Myopathy, proximal, and ophthalmoplegia (CMYO6). Also called: MYOPATHY WITH CONGENITAL JOINT CONTRACTURES, OPHTHALMOPLEGIA, AND RIMMED VACUOLES; INCLUSION BODY MYOPATHY 3, AUTOSOMAL DOMINANT; CONGENITAL MYOPATHY 6 WITH OPHTHALMOPLEGIA. Identifiers: Orphanet 363677, Orphanet 79091, MedGen C1854106, MONDO:0011577, OMIM 605637.

Submission:

Labcorp Genetics (formerly Invitae), Labcorp
Classification: Pathogenic for Myopathy, proximal, and ophthalmoplegia. Last evaluated: 2023-11-24. Review status: criteria provided, single submitter. Criteria: Invitae Variant Classification Sherloc (09022015). Collection method: clinical testing. Allele origin: germline.
Comment: This sequence change creates a premature translational stop signal (p.Ser648Argfs*17) in the MYH2 gene. It is expected to result in an absent or disrupted protein product. Loss-of-function variants in MYH2 are known to be pathogenic (PMID: 20418530, 23388406, 24193343). This variant is not present in population databases (gnomAD no frequency). This variant has not been reported in the literature in individuals affected with MYH2-related conditions. For these reasons, this variant has been classified as Pathogenic.

Literature cited by the submitters: PubMed 20418530; PubMed 23388406; PubMed 24193343.